The following is an entry in ClinVar:

ClinVar aggregate classification (germline): Uncertain significance (1 of 4 stars; one submission).

Conditions:
Fanconi anemia (FA). Also called: Fanconi's anemia. Identifiers: Orphanet 84, MedGen C0015625, MeSH D005199, MONDO:0019391.

Submission:

Labcorp Genetics (formerly Invitae), Labcorp
Classification: Uncertain significance for Fanconi anemia. Last evaluated: 2020-09-02. Review status: criteria provided, single submitter. Criteria: Invitae Variant Classification Sherloc (09022015). Collection method: clinical testing. Allele origin: germline.
Comment: A gross duplication of the genomic region encompassing the full coding sequence of the FANCG gene has been identified. The boundaries of this event are unknown as the duplication extends beyond the assayed region for this gene and therefore may encompass additional genes. As the precise location of this duplication is unknown, it may be in tandem or it may be located elsewhere in the genome. This variant has not been reported in the literature in individuals with a FANCG-related disease. The exact genomic location of this variant is unknown. In summary, this variant has uncertain impact on FANCG function. The available evidence is currently insufficient to determine its role in disease. Therefore, it has been classified as a Variant of Uncertain Significance.

NC_000009.11:g.(?_35072710)_(35079521_?)dup

Genes: VCP (valosin containing protein; minus strand), FANCG (FA complementation group G; minus strand). Cytogenetic location: 9p13.3.
Variant type: Duplication.
Identifiers: ClinVar variation 1024592 (VCV001024592.2).